The following is an entry in ClinVar:

NM_004006.3(DMD):c.3347A>T (p.Lys1116Met)

Gene: DMD (dystrophin; minus strand). Cytogenetic location: Xp21.1.
Variant type: single nucleotide variant.
Coding change: c.3347A>T on transcript NM_004006.3 (MANE Select); coding-DNA position 3347, A replaced by T.
Protein change: p.Lys1116Met; replaces lysine 1116 with methionine.
Molecular consequence: missense variant.
Genome position (GRCh38, 1-based): chrX:32,463,524, T>A on the plus strand (A>T on the coding strand, the complement: DMD is on the minus strand). VCF-style: chrX-32463524-T-A. GRCh37 (hg19) VCF-style: chrX-32481641-T-A.
Other names: c.3323A>T, p.Lys1108Met (NM_000109.4); c.3335A>T, p.Lys1112Met (NM_004009.3); c.2978A>T, p.Lys993Met (NM_004010.3); short protein forms K1112M, K1116M, K993M, K1108M.
Identifiers: ClinVar variation 2002327 (VCV002002327.4), dbSNP rs2524515313, ClinGen allele CA412664478.

ClinVar aggregate classification (germline): Uncertain significance (1 of 4 stars; one submission).

Conditions:
Duchenne muscular dystrophy (DMD). Also called: MUSCULAR DYSTROPHY, PSEUDOHYPERTROPHIC PROGRESSIVE, DUCHENNE TYPE; Duchenne Muscular Dystrophy (DMD). Identifiers: Orphanet 98896, MedGen C0013264, MONDO:0010679, OMIM 310200.

Allele frequency attached by ClinVar (database versions not stated): gnomAD exomes below 0.00001.
gnomAD v4.1: 1 of 1,203,932 alleles (0.000083%); highest among the groups gnomAD compares: Non-Finnish European, 0.00011%; no homozygotes.

Submission:

Labcorp Genetics (formerly Invitae), Labcorp
Classification: Uncertain significance for Duchenne muscular dystrophy. Last evaluated: 2022-07-13. Review status: criteria provided, single submitter. Criteria: Invitae Variant Classification Sherloc (09022015). Collection method: clinical testing. Allele origin: germline.
Comment: Algorithms developed to predict the effect of missense changes on protein structure and function are either unavailable or do not agree on the potential impact of this missense change (SIFT: "Tolerated"; PolyPhen-2: "Probably Damaging"; Align-GVGD: "Class C0"). In summary, the available evidence is currently insufficient to determine the role of this variant in disease. Therefore, it has been classified as a Variant of Uncertain Significance. This variant has not been reported in the literature in individuals affected with DMD-related conditions. This variant is not present in population databases (gnomAD no frequency). This sequence change replaces lysine, which is basic and polar, with methionine, which is neutral and non-polar, at codon 1116 of the DMD protein (p.Lys1116Met).